The following is an entry in ClinVar:

NC_012920.1(MT-ND6):m.14417A>G

Gene: MT-ND6 (mitochondrially encoded NADH dehydrogenase 6; minus strand).
Variant type: single nucleotide variant.
Genome position: chrM-14417-A-G.
Identifiers: ClinVar variation 693720 (VCV000693720.1), dbSNP rs878905427, ClinGen allele CA337100044.

ClinVar aggregate classification (germline): Benign (1 of 4 stars; one submission).

Conditions:
Leigh syndrome (NULS). Also called: Leigh's necrotizing encephalopathy; Leigh's disease; Leigh's syndrome; LEIGH SYNDROME, NUCLEAR; Leigh Syndrome (mtDNA deletion); Leigh Disease. Identifiers: Orphanet 506, MedGen C2931891, MONDO:0009723, OMIM 256000.

Submission:

Wong Mito Lab, Molecular and Human Genetics, Baylor College of Medicine
Classification: Benign for Leigh syndrome. Last evaluated: 2019-10-17. Review status: criteria provided, single submitter. Criteria: Modified ACMG Guidelines (Unpublished). Collection method: clinical testing. Allele origin: germline.
Comment: The NC_012920.1:m.14417A>G (YP_003024037.1:p.Val86Ala) variant in MTND6 gene is interpretated to be a Benign variant based on the modified ACMG guidelines (unpublished). This variant meets the following evidence codes: BS1, BS2, BP4